The following is an entry in ClinVar:

ClinVar aggregate classification (germline): Likely pathogenic (1 of 4 stars; one submission).

Conditions:
Alagille syndrome due to a JAG1 point mutation. Also called: HEPATIC DUCTULAR HYPOPLASIA, SYNDROMATIC; JAG1-Related Alagille Syndrome; Alagille Syndrome 1. Identifiers: Orphanet 261619, Orphanet 52, MedGen C1956125, MONDO:0016862, OMIM 118450.

Submission:

Victorian Clinical Genetics Services, Murdoch Childrens Research Institute
Classification: Likely pathogenic for Alagille syndrome due to a JAG1 point mutation. Last evaluated: 2022-02-02. Review status: criteria provided, single submitter. Criteria: ACMG Guidelines, 2015. Collection method: clinical testing. Allele origin: germline. Inheritance: Autosomal dominant inheritance.
Comment: Based on the classification scheme VCGS_Germline_v1.3.4, this variant is classified as Likely Pathogenic. Following criteria are met: 0102 - Loss of function is a known mechanism of disease in this gene and is associated with JAG1-related disease, including Alagille syndrome 1 (MIM#118450). (I) 0107 - This gene is associated with autosomal dominant disease. (I) 0201 - Variant is predicted to cause nonsense-mediated decay (NMD) and loss of protein (premature termination codon is located at least 54 nucleotides upstream of the final exon-exon junction). (SP) 0251 - This variant is heterozygous. (I) 0301 - Variant is absent from gnomAD (both v2 and v3). (SP) 0701 - Other NMD-predicted variants comparable to the one identified in this case have very strong previous evidence for pathogenicity. These variants have been reported many times as pathogenic, and are commonly observed in individuals with Alagille syndrome (DECIPHER, OMIM, PMID: 26064488). (SP) 0807 - This variant has no previous evidence of pathogenicity. (I) 0905 - No published segregation evidence has been identified for this variant. (I) 1007 - No published functional evidence has been identified for this variant. (I) 1208 - Inheritance information for this variant is not currently available in this individual. (I) Legend: (SP) - Supporting pathogenic, (I) - Information, (SB) - Supporting benign

Literature cited by the submitters: PubMed 26064488.

NM_000214.3(JAG1):c.1823_1826del (p.Gln608fs)

Gene: JAG1 (jagged canonical Notch ligand 1; minus strand). Cytogenetic location: 20p12.2.
Variant type: Microsatellite.
Coding change: c.1823_1826del on transcript NM_000214.3 (MANE Select); coding-DNA positions 1823 to 1826, 4 bases deleted (AGTC; older notation c.1823_1826delAGTC).
Protein change: p.Gln608fs; shifts the reading frame from glutamine 608.
Molecular consequence: frameshift variant.
Genome position (GRCh38, 1-based): chr20:10,646,998-10,647,001, GACT deleted on the plus strand (AGTC on the coding strand, the reverse complement: JAG1 is on the minus strand); deleting any 4 consecutive bases within chr20:10,646,998-10,647,005 gives the same sequence; the c. name uses the placement nearest the transcript's 3' end. VCF-style (leftmost placement, unchanged base first): chr20-10646997-CGACT-C. GRCh37 (hg19) VCF-style: chr20-10627645-CGACT-C.
Other names: c.1823_1826delAGTC (NM_000214.3); short protein forms Q608fs.
Identifiers: ClinVar variation 1699413 (VCV001699413.3), dbSNP rs2122606213, ClinGen allele CA2573050711.
Genomic context (GRCh38, chr20:10,646,997, plus strand): 5'-ACTTTCATGGCAGTATGTTCCCGTGAAGCCTTTGTTACAGTCACAGGTGAATTTGCCTCC[CGACT>C]GACTCTTGCACTTCCCGTGAGGACCACAGACGTTGGAGGAAATATACCGCACCCCTTCAG-3'